The following is an entry in ClinVar:

NM_024120.5(NDUFAF5):c.519+1G>T

Gene: NDUFAF5 (NADH:ubiquinone oxidoreductase complex assembly factor 5; plus strand). Cytogenetic location: 20p12.1.
Variant type: single nucleotide variant.
Coding change: c.519+1G>T on transcript NM_024120.5 (MANE Select); the canonical splice donor site of the intron after coding-DNA position 519, G replaced by T.
Molecular consequence: splice donor variant.
Genome position (GRCh38, 1-based): chr20:13,798,501, G>T. VCF-style: chr20-13798501-G-T. GRCh37 (hg19) VCF-style: chr20-13779147-G-T.
Other names: NC_000020.10:g.13779147G>T; c.-43+1G>T (NM_001352407.2, NM_001352406.2); c.435+1G>T (NM_001039375.3); c.48+1G>T (NM_001352403.2); c.519+1G>T (NM_001352408.2).
Identifiers: ClinVar variation 4447797 (VCV004447797.2).

ClinVar aggregate classification (germline): Likely pathogenic (1 of 4 stars; one submission).

Submissions (2):

Labcorp Genetics (formerly Invitae), Labcorp
Classification: Likely pathogenic. Last evaluated: 2026-01-11. Review status: criteria provided, single submitter. Criteria: Invitae Variant Classification Sherloc (09022015). Collection method: clinical testing. Allele origin: germline.
Comment: This sequence change affects a donor splice site in intron 6 of the NDUFAF5 gene. It is expected to disrupt RNA splicing. Variants that disrupt the donor or acceptor splice site typically lead to a loss of protein function (PMID: 16199547), and loss-of-function variants in NDUFAF5 are known to be pathogenic (PMID: 26275793, 30473481, 32918965). This variant is not present in population databases (gnomAD no frequency). This variant has not been reported in the literature in individuals affected with NDUFAF5-related conditions. Algorithms developed to predict the effect of sequence changes on RNA splicing suggest that this variant may disrupt the consensus splice site. In summary, the currently available evidence indicates that the variant is pathogenic, but additional data are needed to prove that conclusively. Therefore, this variant has been classified as Likely Pathogenic.

Dr. Peter K. Rogan Lab, Western University
No classification provided (evidence only). Condition: Nonpapillary renal cell carcinoma. Review status: no classification provided. Collection method: in vitro. Allele origin: not applicable. Functional consequence: retained intron. Not counted in ClinVar's aggregate classification.

Literature cited by the submitters: PubMed 16199547 (cited by Labcorp Genetics (formerly Invitae), Labcorp); PubMed 26275793 (cited by Labcorp Genetics (formerly Invitae), Labcorp); PubMed 30473481 (cited by Labcorp Genetics (formerly Invitae), Labcorp); PubMed 32918965 (cited by Labcorp Genetics (formerly Invitae), Labcorp).